The following is an entry in ClinVar:

ClinVar aggregate classification (germline): Conflicting classifications of pathogenicity. Review status: criteria provided, conflicting classifications (1 of 4 stars). 10 submissions from 6 submitters: Uncertain significance (7); Benign (1); Likely benign (2). Last evaluated 2025-05-20.

Conditions:
TTN-related disorder. Also called: TTN-related condition; TTN-related disease; TTN-related disorders.
Cardiovascular phenotype. Identifiers: MedGen CN230736.
Dilated cardiomyopathy 1G (CMD1G). Identifiers: Orphanet 154, MedGen C1858763, MONDO:0011400, OMIM 604145.
Autosomal recessive limb-girdle muscular dystrophy type 2J (LGMDR10). Also called: MUSCULAR DYSTROPHY, LIMB-GIRDLE, AUTOSOMAL RECESSIVE 10; Limb-girdle muscular dystrophy, type 2J. Identifiers: Orphanet 140922, MedGen C1837342, MONDO:0012127, OMIM 608807.
Early-onset myopathy with fatal cardiomyopathy (CMYO5). Also called: CONGENITAL MYOPATHY 5 WITH CARDIOMYOPATHY; Salih Myopathy. Identifiers: Orphanet 289377, MedGen C2673677, MONDO:0012714, OMIM 611705. Disease mechanism: loss of function.
Myopathy, myofibrillar, 9, with early respiratory failure (MFM9). Also called: EDSTROM MYOPATHY; MYOPATHY, PROXIMAL, WITH EARLY RESPIRATORY MUSCLE INVOLVEMENT; Myopathy, distal, with early respiratory failure, autosomal dominant; Hereditary myopathy with early respiratory failure. Identifiers: Orphanet 178464, Orphanet 34521, MedGen C1863599, MONDO:0011362, OMIM 603689.
Tibial muscular dystrophy (TMD). Also called: UDD MYOPATHY; Tibial muscular dystrophy, tardive; Udd Distal Myopathy – Tibial Muscular Dystrophy. Identifiers: Orphanet 609, MedGen C1838244, MONDO:0010870, OMIM 600334.

Allele frequency attached by ClinVar (database versions not stated): TOPMed 0.00003; gnomAD 0.00006.
gnomAD v4.1: 186 of 1,613,138 alleles (0.012%); highest among the groups gnomAD compares: Non-Finnish European, 0.015%; no homozygotes.

Submissions (10):

Mayo Clinic Laboratories, Mayo Clinic
Classification: Uncertain significance. Last evaluated: 2025-05-20. Review status: criteria provided, single submitter. Criteria: ACMG Guidelines, 2015. Collection method: clinical testing. Allele origin: germline. Observed: 2 variant alleles.

PreventionGenetics, part of Exact Sciences
Classification: Uncertain significance for TTN-related condition. Last evaluated: 2023-06-20. Review status: criteria provided, single submitter. Criteria: ACMG Guidelines, 2015. Collection method: clinical testing. Allele origin: germline.
Comment: The TTN c.65093G>T variant is predicted to result in the amino acid substitution p.Arg21698Leu. To our knowledge, this variant has not been reported in the literature. This variant is reported in 0.0070% of alleles in individuals of European (Non-Finnish) descent in gnomAD. At this time, the clinical significance of this variant is uncertain due to the absence of conclusive functional and genetic evidence.

GeneDx
Classification: Likely benign. Last evaluated: 2021-05-18. Review status: criteria provided, single submitter. Criteria: GeneDx Variant Classification Process June 2021. Collection method: clinical testing. Allele origin: germline. Affected: yes.

Ambry Genetics
Classification: Uncertain significance for Cardiovascular phenotype. Last evaluated: 2019-03-28. Review status: criteria provided, single submitter. Criteria: Ambry Variant Classification Scheme 2023. Collection method: clinical testing. Allele origin: germline.
Comment: The p.R12633L variant (also known as c.37898G>T), located in coding exon 138 of the TTN gene, results from a G to T substitution at nucleotide position 37898. The arginine at codon 12633 is replaced by leucine, an amino acid with dissimilar properties. This amino acid position is well conserved in available vertebrate species. In addition, this alteration is predicted to be tolerated by in silico analysis. Since supporting evidence is limited at this time, the clinical significance of this alteration remains unclear.

Illumina Laboratory Services, Illumina
Classification: Uncertain significance for Dilated cardiomyopathy 1G. Last evaluated: 2018-01-12. Review status: criteria provided, single submitter. Criteria: ICSL Variant Classification Criteria 13 December 2019. Collection method: clinical testing. Allele origin: germline.

Illumina Laboratory Services, Illumina
Classification: Uncertain significance for Autosomal recessive limb-girdle muscular dystrophy type 2J. Last evaluated: 2018-01-12. Review status: criteria provided, single submitter. Criteria: ICSL Variant Classification Criteria 13 December 2019. Collection method: clinical testing. Allele origin: germline.

Illumina Laboratory Services, Illumina
Classification: Benign for Tibial muscular dystrophy. Last evaluated: 2018-01-12. Review status: criteria provided, single submitter. Criteria: ICSL Variant Classification Criteria 13 December 2019. Collection method: clinical testing. Allele origin: germline.
Comment: This variant was observed in the ICSL laboratory as part of a predisposition screen in an ostensibly healthy population. It had not been previously curated by ICSL or reported in the Human Gene Mutation Database (HGMD: prior to June 1st, 2018), and was therefore a candidate for classification through an automated scoring system. Utilizing variant allele frequency, disease prevalence and penetrance estimates, and inheritance mode, an automated score was calculated to assess if this variant is too frequent to cause the disease. Based on the score and internal cut-off values, a variant classified as benign is not then subjected to further curation. The score for this variant resulted in a classification of benign for this disease.

Illumina Laboratory Services, Illumina
Classification: Uncertain significance for Early-onset myopathy with fatal cardiomyopathy. Last evaluated: 2018-01-12. Review status: criteria provided, single submitter. Criteria: ICSL Variant Classification Criteria 13 December 2019. Collection method: clinical testing. Allele origin: germline.

Illumina Laboratory Services, Illumina
Classification: Likely benign for Myopathy, myofibrillar, 9, with early respiratory failure. Last evaluated: 2018-01-12. Review status: criteria provided, single submitter. Criteria: ICSL Variant Classification Criteria 13 December 2019. Collection method: clinical testing. Allele origin: germline.
Comment: This variant was observed in the ICSL laboratory as part of a predisposition screen in an ostensibly healthy population. It had not been previously curated by ICSL or reported in the Human Gene Mutation Database (HGMD: prior to June 1st, 2018), and was therefore a candidate for classification through an automated scoring system. Utilizing variant allele frequency, disease prevalence and penetrance estimates, and inheritance mode, an automated score was calculated to assess if this variant is too frequent to cause the disease. Based on the score and internal cut-off values, a variant classified as likely benign is not then subjected to further curation. The score for this variant resulted in a classification of likely benign for this disease.

Labcorp Genetics (formerly Invitae), Labcorp
Classification: Uncertain significance for Dilated cardiomyopathy 1G; Autosomal recessive limb-girdle muscular dystrophy type 2J. Last evaluated: 2017-02-21. Review status: criteria provided, single submitter. Criteria: Invitae Variant Classification Sherloc (09022015). Collection method: clinical testing. Allele origin: germline.

NM_001267550.2(TTN):c.65093G>T (p.Arg21698Leu)

Genes: TTN (titin; minus strand), TTN-AS1 (TTN antisense RNA 1; plus strand). Cytogenetic location: 2q31.2.
Variant type: single nucleotide variant.
Coding change: c.65093G>T on transcript NM_001267550.2 (MANE Select); coding-DNA position 65093, G replaced by T.
Protein change: p.Arg21698Leu; replaces arginine 21698 with leucine.
Molecular consequence: missense variant.
Genome position (GRCh38, 1-based): chr2:178,584,458, C>A on the plus strand (G>T on the coding strand, the complement: TTN is on the minus strand). VCF-style: chr2-178584458-C-A. GRCh37 (hg19) VCF-style: chr2-179449185-C-A.
Other names: p.R20057L:CGC>CTC; p.Arg20057Leu; c.60170G>T, p.Arg20057Leu (NM_001256850.1); c.37898G>T, p.Arg12633Leu (NM_003319.4); c.57389G>T, p.Arg19130Leu (NM_133378.4); c.38273G>T, p.Arg12758Leu (NM_133432.3); c.38474G>T, p.Arg12825Leu (NM_133437.4); short protein forms R20057L, R21698L, R12633L, R12758L, R12825L, R19130L.
Identifiers: ClinVar variation 202791 (VCV000202791.15), dbSNP rs371581072, ClinGen allele CA310301.